The following is an entry in ClinVar:

ClinVar aggregate classification (germline): Uncertain significance (1 of 4 stars; one submission).

Submission:

GeneDx
Classification: Uncertain significance. Last evaluated: 2023-07-28. Review status: criteria provided, single submitter. Criteria: GeneDx Variant Classification Process June 2021. Collection method: clinical testing. Allele origin: germline. Affected: yes.
Comment: Not observed at significant frequency in large population cohorts (gnomAD); In silico analysis supports that this missense variant has a deleterious effect on protein structure/function; Has not been previously published as pathogenic or benign to our knowledge

NM_000944.5(PPP3CA):c.192A>G (p.Ile64Met)

Gene: PPP3CA (protein phosphatase 3 catalytic subunit alpha; minus strand). Cytogenetic location: 4q24.
Variant type: single nucleotide variant.
Coding change: c.192A>G on transcript NM_000944.5 (MANE Select); coding-DNA position 192, A replaced by G.
Protein change: p.Ile64Met; replaces isoleucine 64 with methionine.
Molecular consequence: missense variant.
Genome position (GRCh38, 1-based): chr4:101,195,983, T>C on the plus strand (A>G on the coding strand, the complement: PPP3CA is on the minus strand). VCF-style: chr4-101195983-T-C. GRCh37 (hg19) VCF-style: chr4-102117140-T-C.
Other names: c.192A>G, p.Ile64Met (NM_001130691.2, NM_001130692.2); short protein forms I64M.
Identifiers: ClinVar variation 3361475 (VCV003361475.1).